The following is an entry in ClinVar:

NM_182931.3(KMT2E):c.5519A>C (p.His1840Pro)

Gene: KMT2E (lysine methyltransferase 2E (inactive); plus strand). Cytogenetic location: 7q22.3.
Variant type: single nucleotide variant.
Coding change: c.5519A>C on transcript NM_182931.3 (MANE Select); coding-DNA position 5519, A replaced by C.
Protein change: p.His1840Pro; replaces histidine 1840 with proline.
Molecular consequence: missense variant.
Genome position (GRCh38, 1-based): chr7:105,113,275, A>C. VCF-style: chr7-105113275-A-C. GRCh37 (hg19) VCF-style: chr7-104753722-A-C.
Other names: c.5393A>C, p.His1798Pro (NM_001410908.1); c.5519A>C, p.His1840Pro (NM_018682.4); short protein forms H1798P, H1840P.
Identifiers: ClinVar variation 2006671 (VCV002006671.4), dbSNP rs768780133, ClinGen allele CA368795350.

ClinVar aggregate classification (germline): Uncertain significance (1 of 4 stars; one submission).

Allele frequency attached by ClinVar (database versions not stated): gnomAD exomes below 0.00001.
gnomAD v4.1: 2 of 1,614,162 alleles (0.00012%); highest among the groups gnomAD compares: Non-Finnish European, 0.00017%; no homozygotes.

Submission:

Labcorp Genetics (formerly Invitae), Labcorp
Classification: Uncertain significance. Last evaluated: 2022-11-15. Review status: criteria provided, single submitter. Criteria: Invitae Variant Classification Sherloc (09022015). Collection method: clinical testing. Allele origin: germline.
Comment: In summary, the available evidence is currently insufficient to determine the role of this variant in disease. Therefore, it has been classified as a Variant of Uncertain Significance. Algorithms developed to predict the effect of missense changes on protein structure and function (SIFT, PolyPhen-2, Align-GVGD) all suggest that this variant is likely to be tolerated. This sequence change replaces histidine, which is basic and polar, with proline, which is neutral and non-polar, at codon 1840 of the KMT2E protein (p.His1840Pro). This variant is not present in population databases (gnomAD no frequency). This variant has not been reported in the literature in individuals affected with KMT2E-related conditions.